The following is an entry in ClinVar:

ClinVar aggregate classification (germline): Conflicting classifications of pathogenicity. Review status: criteria provided, conflicting classifications (1 of 4 stars). 5 submissions from 5 submitters: Uncertain significance (1); Likely benign (3). 1 of the submissions does not count toward it. Last evaluated 2026-01-21.

Conditions:
OAS1-related disorder. Also called: OAS1-related condition.

Allele frequency attached by ClinVar (database versions not stated): 1000 Genomes Project 30x 0.00016; 1000 Genomes Project 0.00020; ESP Exome Variant Server 0.00031.
gnomAD v4.1: 416 of 1,614,156 alleles (0.026%); highest among the groups gnomAD compares: Middle Eastern, 0.12%; no homozygotes.

Submissions (5):

Labcorp Genetics (formerly Invitae), Labcorp
Classification: Likely benign. Last evaluated: 2026-01-21. Review status: criteria provided, single submitter. Criteria: Invitae Variant Classification Sherloc (09022015). Collection method: clinical testing. Allele origin: germline.

Blueprint Genetics
Classification: Likely benign. Last evaluated: 2024-10-21. Review status: criteria provided, single submitter. Criteria: ACMG Guidelines, 2015. Collection method: clinical testing. Allele origin: germline.

Ambry Genetics
Classification: Uncertain significance. Last evaluated: 2021-08-02. Review status: criteria provided, single submitter. Criteria: Ambry Variant Classification Scheme 2023. Collection method: clinical testing. Allele origin: germline.

Breakthrough Genomics
Classification: Likely benign. Review status: criteria provided, single submitter. Criteria: ACMG Guidelines, 2015. Collection method: not provided. Allele origin: germline. Inheritance: Autosomal dominant inheritance. Affected: yes.

PreventionGenetics, part of Exact Sciences
Classification: Likely benign for OAS1-related condition. Last evaluated: 2023-11-08. Review status: no assertion criteria provided. Collection method: clinical testing. Allele origin: germline. Not counted in ClinVar's aggregate classification.
Comment: This variant is classified as likely benign based on ACMG/AMP sequence variant interpretation guidelines (Richards et al. 2015 PMID: 25741868, with internal and published modifications).

NM_016816.4(OAS1):c.920A>T (p.Asn307Ile)

Gene: OAS1 (2'-5'-oligoadenylate synthetase 1; plus strand). Cytogenetic location: 12q24.13.
Variant type: single nucleotide variant.
Coding change: c.920A>T on transcript NM_016816.4 (MANE Select); coding-DNA position 920, A replaced by T.
Protein change: p.Asn307Ile; replaces asparagine 307 with isoleucine.
Molecular consequence: missense variant.
Genome position (GRCh38, 1-based): chr12:112,917,582, A>T. VCF-style: chr12-112917582-A-T. GRCh37 (hg19) VCF-style: chr12-113355387-A-T.
Other names: c.920A>T, p.Asn307Ile (NM_001032409.3, NM_001320151.2, NM_002534.4); c.920A>T (NM_016816.2, NM_001032409.2); short protein forms N307I.
Identifiers: ClinVar variation 1583346 (VCV001583346.12), dbSNP rs146339735, ClinGen allele CA6799944.